The following is an entry in ClinVar:

ClinVar aggregate classification (germline): Likely pathogenic (1 of 4 stars; one submission).

Submission:

Labcorp Genetics (formerly Invitae), Labcorp
Classification: Likely pathogenic. Last evaluated: 2025-12-03. Review status: criteria provided, single submitter. Criteria: Invitae Variant Classification Sherloc (09022015). Collection method: clinical testing. Allele origin: germline.
Comment: This sequence change affects an acceptor splice site in intron 26 of the RTTN gene. It is expected to disrupt RNA splicing. Variants that disrupt the donor or acceptor splice site typically lead to a loss of protein function (PMID: 16199547), and loss-of-function variants in RTTN are known to be pathogenic (PMID: 26608784, 26846091). This variant is not present in population databases (gnomAD no frequency). This variant has not been reported in the literature in individuals affected with RTTN-related conditions. Algorithms developed to predict the effect of sequence changes on RNA splicing suggest that this variant may disrupt the consensus splice site. In summary, the currently available evidence indicates that the variant is pathogenic, but additional data are needed to prove that conclusively. Therefore, this variant has been classified as Likely Pathogenic.

Literature cited by the submitters: PubMed 16199547; PubMed 26608784; PubMed 26846091.

NM_173630.4(RTTN):c.3529-2A>G

Gene: RTTN (rotatin; minus strand). Cytogenetic location: 18q22.2.
Variant type: single nucleotide variant.
Coding change: c.3529-2A>G on transcript NM_173630.4 (MANE Select); the canonical splice acceptor site of the intron before coding-DNA position 3529, A replaced by G.
Molecular consequence: splice acceptor variant.
Genome position (GRCh38, 1-based): chr18:70,114,601, T>C on the plus strand (A>G on the coding strand, the complement: RTTN is on the minus strand). VCF-style: chr18-70114601-T-C. GRCh37 (hg19) VCF-style: chr18-67781837-T-C.
Other names: c.793-2A>G (NM_001318520.2).
Identifiers: ClinVar variation 4732083 (VCV004732083.1).